The following is an entry in ClinVar:

NM_000352.6(ABCC8):c.108C>T (p.His36=)

Gene: ABCC8 (ATP binding cassette subfamily C member 8; minus strand). Cytogenetic location: 11p15.1.
Variant type: single nucleotide variant.
Coding change: c.108C>T on transcript NM_000352.6 (MANE Select); coding-DNA position 108, C replaced by T.
Protein change: p.His36=; no amino-acid change (histidine 36 retained).
Molecular consequence: synonymous variant. On other transcripts: non-coding transcript variant (1).
Genome position (GRCh38, 1-based): chr11:17,476,669, G>A on the plus strand (C>T on the coding strand, the complement: ABCC8 is on the minus strand). VCF-style: chr11-17476669-G-A. GRCh37 (hg19) VCF-style: chr11-17498216-G-A.
Other names: c.108C>T, p.His36= (NM_001287174.3, NM_001351295.2, NM_001351296.2 and 1 more transcripts); c.108C>T (NM_000352.3).
Identifiers: ClinVar variation 800100 (VCV000800100.12), dbSNP rs757935183, ClinGen allele CA5903980.
Genomic context (GRCh38, chr11:17,476,669, plus strand): 5'-GGCTCGCTGCGCGCACTCACCAATGAAGAGGATGGGGAAGGTGATGAAGAGTAGGAAGAC[G>A]TGCGGCACCACGTTGAGCGCGTCCACAAAGCAGCCGTTGTTGAGGACCCCCTGGTCCACC-3'
Protein context (NP_000343.2, residues 26-46): CFVDALNVVP[His36=]VFLLFITFPI

ClinVar aggregate classification (germline): Conflicting classifications of pathogenicity. Review status: criteria provided, conflicting classifications (1 of 4 stars). 4 submissions from 3 submitters: Uncertain significance (2); Likely benign (2). Last evaluated 2024-02-17.

Conditions:
Inborn genetic diseases. Identifiers: MedGen C0950123, MeSH D030342.
Transitory neonatal diabetes mellitus. Also called: Transient neonatal diabetes mellitus. Identifiers: MedGen C0342273, MONDO:0020525, HP:0008255.
Maturity-onset diabetes of the young (MODY). Also called: Maturity onset diabetes mellitus in young. Identifiers: Orphanet 552, MedGen C0342276, MONDO:0018911, HP:0004904.

Allele frequency attached by ClinVar (database versions not stated): TOPMed below 0.00001; gnomAD exomes 0.00001; ExAC 0.00002.
gnomAD v4.1: 3 of 1,612,372 alleles (0.00019%); highest among the groups gnomAD compares: Non-Finnish European, 0.00025%; no homozygotes.

Submissions (4):

Ambry Genetics
Classification: Likely benign for Inborn genetic diseases. Last evaluated: 2024-02-17. Review status: criteria provided, single submitter. Criteria: Ambry Variant Classification Scheme 2023. Collection method: clinical testing. Allele origin: germline.

Labcorp Genetics (formerly Invitae), Labcorp
Classification: Likely benign. Last evaluated: 2023-07-07. Review status: criteria provided, single submitter. Criteria: Invitae Variant Classification Sherloc (09022015). Collection method: clinical testing. Allele origin: germline.

Clinical Genomics, Uppaluri K&H Personalized Medicine Clinic
Classification: Uncertain significance for Maturity-onset diabetes of the young. Review status: criteria provided, single submitter. Criteria: K & H Uppaluri Personalized Medicine Clinic Variant Classification & Assertion Criteria_Updated V.1. Collection method: research. Allele origin: unknown. Inheritance: Somatic mutation.
Comment: Mutations in ABCC8 gene are associated with both neonatal diabetes mellitus as well as MODY. Patients with this mutation may have a better response to sulfonylureas. However, no sufficient evidence is found to ascertain the role of this particular variant (rs757935183) in MODY yet.

Clinical Genomics, Uppaluri K&H Personalized Medicine Clinic
Classification: Uncertain significance for Transitory neonatal diabetes mellitus. Review status: criteria provided, single submitter. Criteria: K & H Uppaluri Personalized Medicine Clinic Variant Classification & Assertion Criteria_Updated V.1. Collection method: research. Allele origin: unknown. Inheritance: Somatic mutation.
Comment: Mutations in ABCC8 gene are associated with both neonatal diabetes mellitus as well as MODY. Patients with this mutation may have a better response to sulfonylureas. However, no sufficient evidence is found to ascertain the role of this particular variant (rs757935183) in neonatal diabetes yet.

Literature cited by the submitters: PubMed 16885549 (cited by Clinical Genomics, Uppaluri K&H Personalized Medicine Clinic); PubMed 21989597 (cited by Clinical Genomics, Uppaluri K&H Personalized Medicine Clinic); PubMed 27538677 (cited by Clinical Genomics, Uppaluri K&H Personalized Medicine Clinic); PubMed 18981553 (cited by Clinical Genomics, Uppaluri K&H Personalized Medicine Clinic); PubMed 32027066 (cited by Clinical Genomics, Uppaluri K&H Personalized Medicine Clinic); PubMed 16613899 (cited by Clinical Genomics, Uppaluri K&H Personalized Medicine Clinic); PubMed 18025408 (cited by Clinical Genomics, Uppaluri K&H Personalized Medicine Clinic); PubMed 32792356 (cited by Clinical Genomics, Uppaluri K&H Personalized Medicine Clinic).